The following is an entry in ClinVar:

ClinVar aggregate classification (germline): Uncertain significance. Review status: criteria provided, multiple submitters, no conflicts (2 of 4 stars). 2 submissions from 2 submitters: Uncertain significance (2). Last evaluated 2026-06-24.

Conditions:
Facial dysmorphism-immunodeficiency-livedo-short stature syndrome. Also called: Facial dysmorphism, immunodeficiency, livedo, and short stature; FILS syndrome. Identifiers: Orphanet 352712, MedGen C3554576, MONDO:0014058, OMIM 615139.
Intrauterine growth retardation, metaphyseal dysplasia, adrenal hypoplasia congenita, genital anomalies, and immunodeficiency. Also called: IMAGEI SYNDROME. Identifiers: MedGen C5193036, MONDO:0032684, OMIM 618336.
Colorectal cancer, susceptibility to, 12 (CRCS12). Also called: COLORECTAL CANCER, SUSCEPTIBILITY TO, ON CHROMOSOME 12q24. Identifiers: Orphanet 220460, MedGen C3554460, MONDO:0014038, OMIM 615083.
Hereditary cancer-predisposing syndrome. Also called: Hereditary neoplastic syndrome; Neoplastic Syndromes, Hereditary; Tumor predisposition; Hereditary Cancer Syndrome. Identifiers: Orphanet 140162, MedGen C0027672, MeSH D009386, MONDO:0015356.

Submissions (2):

Ambry Genetics
Classification: Uncertain significance for Hereditary cancer-predisposing syndrome. Last evaluated: 2026-06-24. Review status: criteria provided, single submitter. Criteria: Ambry Variant Classification Scheme 2023. Collection method: clinical testing. Allele origin: germline.
Comment: The p.S192Y variant (also known as c.575C>A), located in coding exon 6 of the POLE gene, results from a C to A substitution at nucleotide position 575. The serine at codon 192 is replaced by tyrosine, an amino acid with dissimilar properties. This amino acid position is conserved. In addition, this alteration is predicted to be tolerated by in silico analysis. Based on the available evidence, the clinical significance of this variant remains unclear.

Fulgent Genetics
Classification: Uncertain significance for Colorectal cancer, susceptibility to, 12; Facial dysmorphism-immunodeficiency-livedo-short stature syndrome; Intrauterine growth retardation, metaphyseal dysplasia, adrenal hypoplasia congenita, genital anomalies, and immunodeficiency. Last evaluated: 2024-02-28. Review status: criteria provided, single submitter. Criteria: ACMG Guidelines, 2015. Collection method: clinical testing. Allele origin: germline.

NM_006231.4(POLE):c.575C>A (p.Ser192Tyr)

Gene: POLE (DNA polymerase epsilon, catalytic subunit; minus strand). Cytogenetic location: 12q24.33.
Variant type: single nucleotide variant.
Coding change: c.575C>A on transcript NM_006231.4 (MANE Select); coding-DNA position 575, C replaced by A.
Protein change: p.Ser192Tyr; replaces serine 192 with tyrosine.
Molecular consequence: missense variant.
Genome position (GRCh38, 1-based): chr12:132,679,500, G>T on the plus strand (C>A on the coding strand, the complement: POLE is on the minus strand). VCF-style: chr12-132679500-G-T. GRCh37 (hg19) VCF-style: chr12-133256086-G-T.
Other names: c.575C>A (NM_006231.2); short protein forms S192Y.
Identifiers: ClinVar variation 3574411 (VCV003574411.2).